The following is an entry in ClinVar:

ClinVar aggregate classification (germline): Pathogenic (1 of 4 stars; one submission).

Submission:

Labcorp Genetics (formerly Invitae), Labcorp
Classification: Pathogenic. Last evaluated: 2025-07-16. Review status: criteria provided, single submitter. Criteria: Invitae Variant Classification Sherloc (09022015). Collection method: clinical testing. Allele origin: germline.
Comment: This sequence change creates a premature translational stop signal (p.Arg131*) in the DNAJB13 gene. It is expected to result in an absent or disrupted protein product. Loss-of-function variants in DNAJB13 are known to be pathogenic (PMID: 27486783, 31650533). This variant is present in population databases (rs760306658, gnomAD 0.003%). This variant has not been reported in the literature in individuals affected with DNAJB13-related conditions. For these reasons, this variant has been classified as Pathogenic.

Literature cited by the submitters: PubMed 27486783; PubMed 31650533.

NM_153614.4(DNAJB13):c.391C>T (p.Arg131Ter)

Gene: DNAJB13 (DnaJ heat shock protein family (Hsp40) member B13; plus strand). Cytogenetic location: 11q13.4.
Variant type: single nucleotide variant.
Coding change: c.391C>T on transcript NM_153614.4 (MANE Select); coding-DNA position 391, C replaced by T.
Protein change: p.Arg131Ter; replaces arginine 131 with a stop codon.
Molecular consequence: nonsense.
Genome position (GRCh38, 1-based): chr11:73,964,934, C>T. VCF-style: chr11-73964934-C-T. GRCh37 (hg19) VCF-style: chr11-73675979-C-T.
Other names: c.217C>T, p.Arg73Ter (NM_001377263.1); c.229C>T, p.Arg77Ter (NM_001441321.1); short protein forms R131*, R77*, R73*.
Identifiers: ClinVar variation 4764625 (VCV004764625.1).
Genomic context (GRCh38, chr11:73,964,934, plus strand): 5'-GCAGAGTTTTTTGATGCAGAAGGAAGTGAGGTAGATTTGAACTTTGGGGGGCTCCAGGGC[C>T]GAGGGGTCAAGAAGCAGGACCCCCAAGTCGAACGGGATCTCTACCTGTCCCTGGAGGACT-3'